The following is an entry in ClinVar:

ClinVar aggregate classification (germline): Likely benign (1 of 4 stars; one submission).

Allele frequency attached by ClinVar (database versions not stated): gnomAD 0.00020; TOPMed 0.00020; ExAC 0.00025; 1000 Genomes Project 30x 0.00031; ESP Exome Variant Server 0.00031; 1000 Genomes Project 0.00040.
gnomAD v4.1: 273 of 1,613,130 alleles (0.017%); highest among the groups gnomAD compares: Non-Finnish European, 0.02%; 1 homozygote.

Submission:

CeGaT Center for Human Genetics Tuebingen
Classification: Likely benign. Last evaluated: 2022-11-01. Review status: criteria provided, single submitter. Criteria: CeGaT Center For Human Genetics Tuebingen Variant Classification Criteria Version 2. Collection method: clinical testing. Allele origin: germline. Affected: yes. Observed: 1 variant allele.
Comment: PANK4: BP4, BP7

NM_018216.4(PANK4):c.1284G>A (p.Pro428=)

Gene: PANK4 (pantothenate kinase 4 (inactive); minus strand). Cytogenetic location: 1p36.32.
Variant type: single nucleotide variant.
Coding change: c.1284G>A on transcript NM_018216.4 (MANE Select); coding-DNA position 1284, G replaced by A.
Protein change: p.Pro428=; no amino-acid change (proline 428 retained).
Molecular consequence: synonymous variant.
Genome position (GRCh38, 1-based): chr1:2,515,652, C>T on the plus strand (G>A on the coding strand, the complement: PANK4 is on the minus strand). VCF-style: chr1-2515652-C-T. GRCh37 (hg19) VCF-style: chr1-2447091-C-T.
Identifiers: ClinVar variation 2638087 (VCV002638087.24), dbSNP rs150307735, ClinGen allele CA540395.